The following is an entry in ClinVar:

ClinVar aggregate classification (germline): Uncertain significance (1 of 4 stars; one submission).

Allele frequency attached by ClinVar (database versions not stated): gnomAD 0.00001; TOPMed 0.00002.
gnomAD v4.1: 5 of 1,576,736 alleles (0.00032%); highest among the groups gnomAD compares: Non-Finnish European, 0.00043%; no homozygotes.

Submission:

Labcorp Genetics (formerly Invitae), Labcorp
Classification: Uncertain significance. Last evaluated: 2021-07-28. Review status: criteria provided, single submitter. Criteria: Invitae Variant Classification Sherloc (09022015). Collection method: clinical testing. Allele origin: germline.
Comment: Algorithms developed to predict the effect of missense changes on protein structure and function (SIFT, PolyPhen-2, Align-GVGD) all suggest that this variant is likely to be tolerated. This sequence change replaces threonine with alanine at codon 1353 of the TUBGCP6 protein (p.Thr1353Ala). The threonine residue is weakly conserved and there is a small physicochemical difference between threonine and alanine. This variant is not present in population databases (ExAC no frequency). This variant has not been reported in the literature in individuals affected with TUBGCP6-related conditions. In summary, the available evidence is currently insufficient to determine the role of this variant in disease. Therefore, it has been classified as a Variant of Uncertain Significance.

NM_020461.4(TUBGCP6):c.4057A>G (p.Thr1353Ala)

Gene: TUBGCP6 (tubulin gamma complex component 6; minus strand). Cytogenetic location: 22q13.33.
Variant type: single nucleotide variant.
Coding change: c.4057A>G on transcript NM_020461.4 (MANE Select); coding-DNA position 4057, A replaced by G.
Protein change: p.Thr1353Ala; replaces threonine 1353 with alanine.
Molecular consequence: missense variant.
Genome position (GRCh38, 1-based): chr22:50,220,302, T>C on the plus strand (A>G on the coding strand, the complement: TUBGCP6 is on the minus strand). VCF-style: chr22-50220302-T-C. GRCh37 (hg19) VCF-style: chr22-50658731-T-C.
Other names: short protein forms T1353A.
Identifiers: ClinVar variation 1370512 (VCV001370512.5), dbSNP rs1000806701, ClinGen allele CA325511628.